The following is an entry in ClinVar:

NM_001267550.2(TTN):c.24042T>C (p.Ile8014=)

Gene: TTN (titin; minus strand). Cytogenetic location: 2q31.2.
Variant type: single nucleotide variant.
Coding change: c.24042T>C on transcript NM_001267550.2 (MANE Select); coding-DNA position 24042, T replaced by C.
Protein change: p.Ile8014=; no amino-acid change (isoleucine 8014 retained).
Molecular consequence: synonymous variant. On other transcripts: intron variant (3).
Genome position (GRCh38, 1-based): chr2:178,719,348, A>G on the plus strand (T>C on the coding strand, the complement: TTN is on the minus strand). VCF-style: chr2-178719348-A-G. GRCh37 (hg19) VCF-style: chr2-179584075-A-G.
Other names: c.23091T>C, p.Ile7697= (NM_001256850.1); c.20310T>C, p.Ile6770= (NM_133378.4); c.13282+18734T>C (NM_003319.4); c.13858+18734T>C (NM_133437.4); c.13657+18734T>C (NM_133432.3).
Identifiers: ClinVar variation 3354758 (VCV003354758.3).

ClinVar aggregate classification (germline): Likely benign. Review status: criteria provided, single submitter (1 of 4 stars). 2 submissions from 2 submitters: Likely benign (1). 1 of the submissions does not count toward it. Last evaluated 2025-01-20.

Conditions:
TTN-related disorder. Also called: TTN-related disorders; TTN-related condition; TTN-related disease.
Dilated cardiomyopathy 1G (CMD1G). Identifiers: Orphanet 154, MedGen C1858763, MONDO:0011400, OMIM 604145.
Autosomal recessive limb-girdle muscular dystrophy type 2J (LGMDR10). Also called: Limb-girdle muscular dystrophy, type 2J; MUSCULAR DYSTROPHY, LIMB-GIRDLE, AUTOSOMAL RECESSIVE 10. Identifiers: Orphanet 140922, MedGen C1837342, MONDO:0012127, OMIM 608807.

gnomAD v4.1: 3 of 1,613,746 alleles (0.00019%); no homozygotes.

Submissions (2):

Labcorp Genetics (formerly Invitae), Labcorp
Classification: Likely benign for Dilated cardiomyopathy 1G; Autosomal recessive limb-girdle muscular dystrophy type 2J. Last evaluated: 2025-01-20. Review status: criteria provided, single submitter. Criteria: Invitae Variant Classification Sherloc (09022015). Collection method: clinical testing. Allele origin: germline.

PreventionGenetics, part of Exact Sciences
Classification: Likely benign for TTN-related condition. Last evaluated: 2024-09-01. Review status: no assertion criteria provided. Collection method: clinical testing. Allele origin: germline. Not counted in ClinVar's aggregate classification.
Comment: This variant is classified as likely benign based on ACMG/AMP sequence variant interpretation guidelines (Richards et al. 2015 PMID: 25741868, with internal and published modifications).